The following is an entry in ClinVar:

NM_000238.4(KCNH2):c.48C>A (p.Asp16Glu)

Gene: KCNH2 (potassium voltage-gated channel subfamily H member 2; minus strand). Cytogenetic location: 7q36.1.
Variant type: single nucleotide variant.
Coding change: c.48C>A on transcript NM_000238.4 (MANE Select); coding-DNA position 48, C replaced by A.
Protein change: p.Asp16Glu; replaces aspartic acid 16 with glutamic acid.
Molecular consequence: missense variant.
Genome position (GRCh38, 1-based): chr7:150,977,866, G>T on the plus strand (C>A on the coding strand, the complement: KCNH2 is on the minus strand). VCF-style: chr7-150977866-G-T. GRCh37 (hg19) VCF-style: chr7-150674954-G-T.
Other names: c.48C>A, p.Asp16Glu (NM_172056.3); short protein forms D16E.
Identifiers: ClinVar variation 1904539 (VCV001904539.5), dbSNP rs746628164, ClinGen allele CA039817.

ClinVar aggregate classification (germline): Uncertain significance (1 of 4 stars; one submission).

Conditions:
Long QT syndrome (LQTS). Identifiers: MedGen C0023976, MeSH D008133, MONDO:0002442. Disease mechanism: loss of function. Inheritance: Various modes of inheritance.

Allele frequency attached by ClinVar (database versions not stated): ExAC 0.00001.
gnomAD v4.1: 4 of 1,605,262 alleles (0.00025%); highest among the groups gnomAD compares: Non-Finnish European, 0.00034%; no homozygotes.

Submission:

Labcorp Genetics (formerly Invitae), Labcorp
Classification: Uncertain significance for Long QT syndrome. Last evaluated: 2022-11-15. Review status: criteria provided, single submitter. Criteria: Invitae Variant Classification Sherloc (09022015). Collection method: clinical testing. Allele origin: germline.
Comment: In summary, the available evidence is currently insufficient to determine the role of this variant in disease. Therefore, it has been classified as a Variant of Uncertain Significance. This sequence change replaces aspartic acid, which is acidic and polar, with glutamic acid, which is acidic and polar, at codon 16 of the KCNH2 protein (p.Asp16Glu). The frequency data for this variant in the population databases is considered unreliable, as metrics indicate poor data quality at this position in the gnomAD database. This variant has not been reported in the literature in individuals affected with KCNH2-related conditions. Algorithms developed to predict the effect of missense changes on protein structure and function are either unavailable or do not agree on the potential impact of this missense change (SIFT: "Deleterious"; PolyPhen-2: "Benign"; Align-GVGD: "Class C0").